The following is an entry in ClinVar:

NM_022168.4(IFIH1):c.1874A>T (p.His625Leu)

Gene: IFIH1 (interferon induced with helicase C domain 1; minus strand). Cytogenetic location: 2q24.2.
Variant type: single nucleotide variant.
Coding change: c.1874A>T on transcript NM_022168.4 (MANE Select); coding-DNA position 1874, A replaced by T.
Protein change: p.His625Leu; replaces histidine 625 with leucine.
Molecular consequence: missense variant.
Genome position (GRCh38, 1-based): chr2:162,277,585, T>A on the plus strand (A>T on the coding strand, the complement: IFIH1 is on the minus strand). VCF-style: chr2-162277585-T-A. GRCh37 (hg19) VCF-style: chr2-163134095-T-A.
Other names: short protein forms H625L.
Identifiers: ClinVar variation 855752 (VCV000855752.10), dbSNP rs1682720062, ClinGen allele CA348999364.
Genomic context (GRCh38, chr2:162,277,585, plus strand): 5'-CTATCATCTTCTATGACTGCAAACTTCTTATCTTTCTCTTCATTATAGAAAGTTTCAAGA[T>A]GAGTATACGCATCTATCATTCGAATTGTGTCATTAATTTGTAGGGCCTCATTGTACTTCC-3'
Protein context (NP_071451.2, residues 615-635): DTIRMIDAYT[His625Leu]LETFYNEEKD

ClinVar aggregate classification (germline): Conflicting classifications of pathogenicity. Review status: criteria provided, conflicting classifications (1 of 4 stars). 2 submissions from 2 submitters: Uncertain significance (1); Likely benign (1). Last evaluated 2025-07-09.

Conditions:
Singleton-Merten syndrome 1 (SGMRT1). Also called: Widened medullary cavities of bone, aortic calcification, abnormal dentition, and muscular weakness; Syndrome of widened medullary cavities of the metacarpals and phalanges, aortic calcification and abnormal dentition. Identifiers: Orphanet 85191, MedGen C4225427, MONDO:0024535, OMIM 182250.
Aicardi-Goutieres syndrome 7 (AGS7). Identifiers: Orphanet 51, MedGen C3888244, MONDO:0014367, OMIM 615846.

Allele frequency attached by ClinVar (database versions not stated): gnomAD exomes 0.00001.
gnomAD v4.1: 9 of 1,612,678 alleles (0.00056%); highest among the groups gnomAD compares: Non-Finnish European, 0.00076%; 1 homozygote.

Submissions (2):

GeneDx
Classification: Uncertain significance. Last evaluated: 2025-07-09. Review status: criteria provided, single submitter. Criteria: GeneDx Variant Classification Process June 2021. Collection method: clinical testing. Allele origin: germline. Affected: yes.
Comment: Not observed at significant frequency in large population cohorts (gnomAD); In silico analysis suggests that this missense variant does not alter protein structure/function; Has not been previously published as pathogenic or benign to our knowledge; This variant is associated with the following publications: (PMID: 33981798)

Labcorp Genetics (formerly Invitae), Labcorp
Classification: Likely benign for Aicardi-Goutieres syndrome 7; Singleton-Merten syndrome 1. Last evaluated: 2025-06-20. Review status: criteria provided, single submitter. Criteria: Invitae Variant Classification Sherloc (09022015). Collection method: clinical testing. Allele origin: germline.